The following is an entry in ClinVar:

ClinVar aggregate classification (germline): Uncertain significance (1 of 4 stars; one submission).

Conditions:
CYFIP1-related disorder. Also called: CYFIP1-related condition.

Submission:

PreventionGenetics, part of Exact Sciences
Classification: Uncertain significance for CYFIP1-related condition. Last evaluated: 2023-10-06. Review status: criteria provided, single submitter. Criteria: ACMG Guidelines, 2015. Collection method: clinical testing. Allele origin: germline.
Comment: The CYFIP1 c.3322A>G variant is predicted to result in the amino acid substitution p.Ile1108Val. To our knowledge, this variant has not been reported in the literature or in a large population database, indicating this variant is rare. At this time, the clinical significance of this variant is uncertain due to the absence of conclusive functional and genetic evidence.

NM_014608.6(CYFIP1):c.3220A>G (p.Ile1074Val)

Genes: CYFIP1 (cytoplasmic FMR1 interacting protein 1; minus strand), LOC112272575 (Sharpr-MPRA regulatory region 8478; plus strand). Cytogenetic location: 15q11.2.
Variant type: single nucleotide variant.
Coding change: c.3220A>G on transcript NM_014608.6 (MANE Select); coding-DNA position 3220, A replaced by G.
Protein change: p.Ile1074Val; replaces isoleucine 1074 with valine.
Molecular consequence: missense variant.
Genome position (GRCh38, 1-based): chr15:22,873,720, T>C on the plus strand (A>G on the coding strand, the complement: CYFIP1 is on the minus strand). VCF-style: chr15-22873720-T-C. GRCh37 (hg19) VCF-style: chr15-22999348-A-G.
Other names: c.1927A>G, p.Ile643Val (NM_001033028.3); c.3220A>G, p.Ile1074Val (NM_001287810.4, NM_001324120.2, NM_001324123.3); c.3322A>G, p.Ile1108Val (NM_001324119.2); c.1540A>G, p.Ile514Val (NM_001324122.3); c.3130A>G, p.Ile1044Val (NM_001324124.3); c.2854A>G, p.Ile952Val (NM_001324125.3); c.3118A>G, p.Ile1040Val (NM_001324126.3); short protein forms I1040V, I1044V, I1074V, I1108V, I514V, I643V, I952V.
Identifiers: ClinVar variation 2630737 (VCV002630737.1), dbSNP rs2506553646, ClinGen allele CA391320046.